The following is an entry in ClinVar:

NM_022356.4(P3H1):c.163G>A (p.Val55Ile)

Gene: P3H1 (prolyl 3-hydroxylase 1; minus strand). Cytogenetic location: 1p34.2.
Variant type: single nucleotide variant.
Coding change: c.163G>A on transcript NM_022356.4 (MANE Select); coding-DNA position 163, G replaced by A.
Protein change: p.Val55Ile; replaces valine 55 with isoleucine.
Molecular consequence: missense variant.
Genome position (GRCh38, 1-based): chr1:42,766,809, C>T on the plus strand (G>A on the coding strand, the complement: P3H1 is on the minus strand). VCF-style: chr1-42766809-C-T. GRCh37 (hg19) VCF-style: chr1-43232480-C-T.
Other names: c.163G>A, p.Val55Ile (NM_001146289.2, NM_001243246.2); short protein forms V55I.
Identifiers: ClinVar variation 1525518 (VCV001525518.6), dbSNP rs2124175927, ClinGen allele CA339964000.

ClinVar aggregate classification (germline): Uncertain significance (1 of 4 stars; one submission).

Conditions:
Osteogenesis imperfecta type 8 (OI8). Identifiers: MedGen C1970458, MONDO:0012581, OMIM 610915.

Submission:

Labcorp Genetics (formerly Invitae), Labcorp
Classification: Uncertain significance for Osteogenesis imperfecta type 8. Last evaluated: 2021-08-09. Review status: criteria provided, single submitter. Criteria: Invitae Variant Classification Sherloc (09022015). Collection method: clinical testing. Allele origin: germline.
Comment: In summary, the available evidence is currently insufficient to determine the role of this variant in disease. Therefore, it has been classified as a Variant of Uncertain Significance. Algorithms developed to predict the effect of missense changes on protein structure and function (SIFT, PolyPhen-2, Align-GVGD) all suggest that this variant is likely to be tolerated. This variant has not been reported in the literature in individuals affected with P3H1-related conditions. This variant is not present in population databases (ExAC no frequency). This sequence change replaces valine with isoleucine at codon 55 of the P3H1 protein (p.Val55Ile). The valine residue is moderately conserved and there is a small physicochemical difference between valine and isoleucine.